The following is an entry in ClinVar:

NM_012210.4(TRIM32):c.1279C>T (p.Pro427Ser)

Genes: ASTN2 (astrotactin 2; minus strand), TRIM32 (tripartite motif containing 32; plus strand). Cytogenetic location: 9q33.1.
Variant type: single nucleotide variant.
Coding change: c.1279C>T on transcript NM_012210.4 (MANE Select); coding-DNA position 1279, C replaced by T.
Protein change: p.Pro427Ser; replaces proline 427 with serine.
Molecular consequence: missense variant. On other transcripts: intron variant (3).
Genome position (GRCh38, 1-based): chr9:116,699,021, C>T. VCF-style: chr9-116699021-C-T. GRCh37 (hg19) VCF-style: chr9-119461300-C-T.
Other names: c.1279C>T, p.Pro427Ser (NM_001099679.2, NM_001379048.1, NM_001379049.1 and 1 more transcripts); c.2653+26750G>A (NM_014010.5); c.2794+26750G>A (NM_001365069.1); c.2806+26750G>A (NM_001365068.1); short protein forms P427S.
Identifiers: ClinVar variation 1513588 (VCV001513588.6), dbSNP rs2132074445, ClinGen allele CA374651340.

ClinVar aggregate classification (germline): Uncertain significance (1 of 4 stars; one submission).

Conditions:
Bardet-Biedl syndrome (BBS). Identifiers: Orphanet 110, MedGen C0752166, MONDO:0015229.

Submission:

Labcorp Genetics (formerly Invitae), Labcorp
Classification: Uncertain significance for Bardet-Biedl syndrome. Last evaluated: 2022-07-26. Review status: criteria provided, single submitter. Criteria: Invitae Variant Classification Sherloc (09022015). Collection method: clinical testing. Allele origin: germline.
Comment: This sequence change replaces proline, which is neutral and non-polar, with serine, which is neutral and polar, at codon 427 of the TRIM32 protein (p.Pro427Ser). In summary, the available evidence is currently insufficient to determine the role of this variant in disease. Therefore, it has been classified as a Variant of Uncertain Significance. Algorithms developed to predict the effect of missense changes on protein structure and function (SIFT, PolyPhen-2, Align-GVGD) all suggest that this variant is likely to be disruptive. ClinVar contains an entry for this variant (Variation ID: 1513588). This variant has not been reported in the literature in individuals affected with TRIM32-related conditions. This variant is not present in population databases (gnomAD no frequency).